The following is an entry in ClinVar:

NM_080680.3(COL11A2):c.1286G>C (p.Gly429Ala)

Gene: COL11A2 (collagen type XI alpha 2 chain; minus strand). Cytogenetic location: 6p21.32.
Variant type: single nucleotide variant.
Coding change: c.1286G>C on transcript NM_080680.3 (MANE Select); coding-DNA position 1286, G replaced by C.
Protein change: p.Gly429Ala; replaces glycine 429 with alanine.
Molecular consequence: missense variant.
Genome position (GRCh38, 1-based): chr6:33,180,331, C>G on the plus strand (G>C on the coding strand, the complement: COL11A2 is on the minus strand). VCF-style: chr6-33180331-C-G. GRCh37 (hg19) VCF-style: chr6-33148108-C-G.
Other names: c.260G>C, p.Gly87Ala (NM_001424111.1, NM_001424110.1); c.965G>C, p.Gly322Ala (NM_080679.3); c.1028G>C, p.Gly343Ala (NM_080681.3); c.1106G>C, p.Gly369Ala (NM_001424108.1); c.440G>C, p.Gly147Ala (NM_001424109.1); short protein forms G429A, G322A, G343A, G87A, G147A, G369A.
Identifiers: ClinVar variation 3687296 (VCV003687296.2).

ClinVar aggregate classification (germline): Uncertain significance (1 of 4 stars; one submission).

Submission:

Labcorp Genetics (formerly Invitae), Labcorp
Classification: Uncertain significance. Last evaluated: 2026-01-12. Review status: criteria provided, single submitter. Criteria: Invitae Variant Classification Sherloc (09022015). Collection method: clinical testing. Allele origin: germline.
Comment: This sequence change replaces glycine, which is neutral and non-polar, with alanine, which is neutral and non-polar, at codon 429 of the COL11A2 protein (p.Gly429Ala). This variant is present in population databases (rs754169204, gnomAD 0.0009%). This variant has not been reported in the literature in individuals affected with COL11A2-related conditions. ClinVar contains an entry for this variant (Variation ID: 3687296). An algorithm developed to predict the effect of missense changes on protein structure and function (PolyPhen-2) suggests that this variant is likely to be disruptive. In summary, the available evidence is currently insufficient to determine the role of this variant in disease. Therefore, it has been classified as a Variant of Uncertain Significance.